The following is an entry in ClinVar:

ClinVar aggregate classification (germline): Uncertain significance. Review status: criteria provided, multiple submitters, no conflicts (2 of 4 stars). 2 submissions from 2 submitters: Uncertain significance (2). Last evaluated 2024-03-09.

Conditions:
Cardiovascular phenotype. Identifiers: MedGen CN230736.
Long QT syndrome (LQTS). Identifiers: MedGen C0023976, MeSH D008133, MONDO:0002442. Disease mechanism: loss of function. Inheritance: Various modes of inheritance.

Allele frequency attached by ClinVar (database versions not stated): ExAC 0.00001; gnomAD 0.00001; TOPMed 0.00002; ESP Exome Variant Server 0.00008.
gnomAD v4.1: 3 of 1,609,722 alleles (0.00019%); highest among the groups gnomAD compares: African/African-American, 0.004%; no homozygotes.

Submissions (2):

Ambry Genetics
Classification: Uncertain significance for Cardiovascular phenotype. Last evaluated: 2024-03-09. Review status: criteria provided, single submitter. Criteria: Ambry Variant Classification Scheme 2023. Collection method: clinical testing. Allele origin: germline.
Comment: The p.E2888K variant (also known as c.8662G>A), located in coding exon 34 of the AKAP9 gene, results from a G to A substitution at nucleotide position 8662. The glutamic acid at codon 2888 is replaced by lysine, an amino acid with similar properties. This amino acid position is not well conserved in available vertebrate species, and lysine is the reference amino acid in other vertebrate species. In addition, this alteration is predicted to be tolerated by in silico analysis. Since supporting evidence is limited at this time, the clinical significance of this alteration remains unclear.

Labcorp Genetics (formerly Invitae), Labcorp
Classification: Uncertain significance for Long QT syndrome. Last evaluated: 2023-10-03. Review status: criteria provided, single submitter. Criteria: Invitae Variant Classification Sherloc (09022015). Collection method: clinical testing. Allele origin: germline.
Comment: This sequence change replaces glutamic acid, which is acidic and polar, with lysine, which is basic and polar, at codon 2888 of the AKAP9 protein (p.Glu2888Lys). This variant is present in population databases (rs370771679, gnomAD 0.007%). This variant has not been reported in the literature in individuals affected with AKAP9-related conditions. ClinVar contains an entry for this variant (Variation ID: 1764229). An algorithm developed to predict the effect of missense changes on protein structure and function (PolyPhen-2) suggests that this variant is likely to be tolerated. In summary, the available evidence is currently insufficient to determine the role of this variant in disease. Therefore, it has been classified as a Variant of Uncertain Significance.

NM_005751.5(AKAP9):c.8662G>A (p.Glu2888Lys)

Gene: AKAP9 (A-kinase anchoring protein 9; plus strand). Cytogenetic location: 7q21.2.
Variant type: single nucleotide variant.
Coding change: c.8662G>A on transcript NM_005751.5 (MANE Select); coding-DNA position 8662, G replaced by A.
Protein change: p.Glu2888Lys; replaces glutamic acid 2888 with lysine.
Molecular consequence: missense variant.
Genome position (GRCh38, 1-based): chr7:92,084,655, G>A. VCF-style: chr7-92084655-G-A. GRCh37 (hg19) VCF-style: chr7-91713969-G-A.
Other names: c.3307G>A, p.Glu1103Lys (NM_001379277.1); c.8638G>A, p.Glu2880Lys (NM_147185.3); short protein forms E2880K, E2888K, E1103K.
Identifiers: ClinVar variation 1764229 (VCV001764229.5), dbSNP rs370771679, ClinGen allele CA4337548.